The following is an entry in ClinVar:

ClinVar aggregate classification (germline): Pathogenic/Likely pathogenic. Review status: criteria provided, multiple submitters, no conflicts (2 of 4 stars). 3 submissions from 3 submitters: Pathogenic (1); Likely pathogenic (2). Last evaluated 2024-10-16.

Conditions:
Holocarboxylase synthetase deficiency. Also called: MULTIPLE CARBOXYLASE DEFICIENCY, EARLY ONSET. Identifiers: Orphanet 79242, MedGen C0268581, MONDO:0009666, OMIM 253270.

Submissions (3):

Natera, Inc.
Classification: Likely pathogenic for Holocarboxylase synthetase deficiency. Last evaluated: 2024-10-16. Review status: criteria provided, single submitter. Criteria: Natera Variant Classification Schema (03/2026). Collection method: clinical testing. Allele origin: germline.
Comment: The c.1159_1163del variant in HLCS is a frameshift variant predicted to shift the reading frame beginning at codon 387 and leads to a stop codon 33 codons downstream. This variant is expected to result in nonsense mediated decay, truncation, or a dysfunctional protein product. This variant is rare in the general population with a frequency below the threshold expected for the associated phenotype(s). Given the available evidence, this variant is classified as Likely Pathogenic.

Labcorp Genetics (formerly Invitae), Labcorp
Classification: Pathogenic for Holocarboxylase synthetase deficiency. Last evaluated: 2023-11-21. Review status: criteria provided, single submitter. Criteria: Invitae Variant Classification Sherloc (09022015). Collection method: clinical testing. Allele origin: germline.
Comment: This sequence change creates a premature translational stop signal (p.Tyr387Alafs*33) in the HLCS gene. It is expected to result in an absent or disrupted protein product. Loss-of-function variants in HLCS are known to be pathogenic (PMID: 16134170). This variant is not present in population databases (gnomAD no frequency). This variant has not been reported in the literature in individuals affected with HLCS-related conditions. For these reasons, this variant has been classified as Pathogenic.

Baylor Genetics
Classification: Likely pathogenic for Holocarboxylase synthetase deficiency. Last evaluated: 2023-08-12. Review status: criteria provided, single submitter. Criteria: ACMG Guidelines, 2015. Collection method: clinical testing. Allele origin: unknown.

Literature cited by the submitters: PubMed 16134170 (cited by Labcorp Genetics (formerly Invitae), Labcorp).

NM_001352514.2(HLCS):c.1600_1604del (p.Tyr534fs)

Gene: HLCS (holocarboxylase synthetase; minus strand). Cytogenetic location: 21q22.13.
Variant type: Deletion.
Coding change: c.1600_1604del on transcript NM_001352514.2 (MANE Select); coding-DNA positions 1600 to 1604, 5 bases deleted (TACTT; older notation c.1600_1604delTACTT).
Protein change: p.Tyr534fs; shifts the reading frame from tyrosine 534.
Molecular consequence: frameshift variant. On other transcripts: non-coding transcript variant (2).
Genome position (GRCh38, 1-based): chr21:36,930,267-36,930,271, AAGTA deleted on the plus strand (TACTT on the coding strand, the reverse complement: HLCS is on the minus strand); deleting any 5 consecutive bases within chr21:36,930,267-36,930,274 gives the same sequence; the c. name uses the placement nearest the transcript's 3' end. VCF-style (leftmost placement, unchanged base first): chr21-36930266-CAAGTA-C. GRCh37 (hg19) VCF-style: chr21-38302566-CAAGTA-C.
Other names: c.1159_1163del (NM_000411.7); c.1159_1163del, p.Tyr387fs (NM_000411.8, NM_001242784.3, NM_001242785.2 and 4 more transcripts); short protein forms Y387fs, Y534fs.
Identifiers: ClinVar variation 2676007 (VCV002676007.5), dbSNP rs2517546301, ClinGen allele CA2577486862.